The following is an entry in ClinVar:

NM_145868.2(ANXA11):c.867C>T (p.Gly289=)

Gene: ANXA11 (annexin A11; minus strand). Cytogenetic location: 10q22.3.
Variant type: single nucleotide variant.
Coding change: c.867C>T on transcript NM_145868.2 (MANE Select); coding-DNA position 867, C replaced by T.
Protein change: p.Gly289=; no amino-acid change (glycine 289 retained).
Molecular consequence: synonymous variant.
Genome position (GRCh38, 1-based): chr10:80,164,135, G>A on the plus strand (C>T on the coding strand, the complement: ANXA11 is on the minus strand). VCF-style: chr10-80164135-G-A. GRCh37 (hg19) VCF-style: chr10-81923891-G-A.
Other names: c.867C>T, p.Gly289= (NM_001157.3, NM_001278407.2, NM_001278408.2 and 1 more transcripts); c.768C>T, p.Gly256= (NM_001278409.2).
Identifiers: ClinVar variation 3358779 (VCV003358779.1).

ClinVar aggregate classification (germline): Likely benign (0 of 4 stars; one submission).

Conditions:
ANXA11-related disorder. Also called: ANXA11-related condition.

gnomAD v4.1: 1 of 1,613,782 alleles (0.000062%); highest among the groups gnomAD compares: Non-Finnish European, 0.000085%; no homozygotes.

Submission:

PreventionGenetics, part of Exact Sciences
Classification: Likely benign for ANXA11-related condition. Last evaluated: 2022-06-14. Review status: no assertion criteria provided. Collection method: clinical testing. Allele origin: germline.
Comment: This variant is classified as likely benign based on ACMG/AMP sequence variant interpretation guidelines (Richards et al. 2015 PMID: 25741868, with internal and published modifications).